The following is an entry in ClinVar:

NM_000018.4(ACADVL):c.480C>G (p.Tyr160Ter)

Gene: ACADVL (acyl-CoA dehydrogenase very long chain; plus strand). Cytogenetic location: 17p13.1.
Variant type: single nucleotide variant.
Coding change: c.480C>G on transcript NM_000018.4 (MANE Select); coding-DNA position 480, C replaced by G.
Protein change: p.Tyr160Ter; replaces tyrosine 160 with a stop codon.
Molecular consequence: nonsense.
Genome position (GRCh38, 1-based): chr17:7,221,540, C>G. VCF-style: chr17-7221540-C-G. GRCh37 (hg19) VCF-style: chr17-7124859-C-G.
Other names: NM_000018.4(ACADVL):c.480C>G; p.Tyr160Ter; c.414C>G, p.Tyr138Ter (NM_001033859.3); c.549C>G, p.Tyr183Ter (NM_001270447.2); c.252C>G, p.Tyr84Ter (NM_001270448.2); short protein forms Y138*, Y84*, Y183*, Y160*.
Identifiers: ClinVar variation 953854 (VCV000953854.10), dbSNP rs371910495, ClinGen allele CA397723002.
Genomic context (GRCh38, chr17:7,221,540, plus strand): 5'-GTTAAGGTCAGGTCCCCCTGCAGCCAGTGACAACCCCAGATTCCTGCTTCCCCTCCAGTA[C>G]GCCCGTTTGGTGGAGATCGTGGGCATGCATGACCTTGGCGTGGGCATTACCCTGGGGGCC-3'

ClinVar aggregate classification (germline): Likely pathogenic. Review status: reviewed by expert panel (3 of 4 stars). 2 submissions from 2 submitters: Likely pathogenic (1). 1 of the submissions does not count toward it. Last evaluated 2024-02-27.

Conditions:
Very long chain acyl-CoA dehydrogenase deficiency (ACADVLD). Also called: VLCAD Deficiency; Very Long-Chain Acyl-Coenzyme A Dehydrogenase Deficiency. Identifiers: Orphanet 26793, MedGen C3887523, MONDO:0008723, OMIM 201475.

Submissions (2):

ClinGen ACADVL Variant Curation Expert Panel, ClinGen
Classification: Likely pathogenic for Very long chain acyl-CoA dehydrogenase deficiency. Last evaluated: 2024-02-27. Review status: reviewed by expert panel. Criteria: clingen acadvl acmg specifications v1. Collection method: curation. Allele origin: germline. Inheritance: Autosomal recessive inheritance.
Comment: The NM_000018.4(ACADVL): c.480C>G (p.Tyr160Ter) variant in ACADVL is a nonsense variant predicted to cause a premature stop codon in biologically-relevant-exon 7/20 leading to nonsense mediated decay in a gene in which loss-of-function is an established disease mechanism (PVS1; PMIDs 9973285, 11590124). This variant is absent from gnomAD v2.1.1 (PM2_Supporting). To our knowledge, this variant has not been reported in the literature either in a patient with very long chain acyl-CoA dehydrogenase (VLCAD) deficiency or ACADVL associated disease or in functional studies. In summary, this variant meets the criteria to be classified as likely pathogenic for autosomal recessive VLCAD deficiency based on the ACMG/AMP criteria applied, as specified by the ClinGen ACADVL Variant Curation Expert Panel: PVS1, PM2_supporting (ACADVL VCEP specifications version 1; approved November 9, 2021). The ACADVL Variant Curation Expert Panel VCEP classified the variant as likely pathogenic based on PVS1+PM2_supporting. This variant was originally curated November 29, 2021 and the recurated classification was approved by the expert panel on February 27, 2024.

Labcorp Genetics (formerly Invitae), Labcorp
Classification: Pathogenic for Very long chain acyl-CoA dehydrogenase deficiency. Last evaluated: 2024-12-12. Review status: criteria provided, single submitter. Criteria: Invitae Variant Classification Sherloc (09022015). Collection method: clinical testing. Allele origin: germline. Not counted in ClinVar's aggregate classification.
Comment: This sequence change creates a premature translational stop signal (p.Tyr160*) in the ACADVL gene. It is expected to result in an absent or disrupted protein product. Loss-of-function variants in ACADVL are known to be pathogenic (PMID: 9973285, 11590124). This variant is not present in population databases (gnomAD no frequency). This variant has not been reported in the literature in individuals affected with ACADVL-related conditions. ClinVar contains an entry for this variant (Variation ID: 953854). Algorithms developed to predict the effect of sequence changes on RNA splicing suggest that this variant may create or strengthen a splice site. For these reasons, this variant has been classified as Pathogenic.

Literature cited by the submitters: PubMed 9973285 (cited by Labcorp Genetics (formerly Invitae), Labcorp); PubMed 11590124 (cited by Labcorp Genetics (formerly Invitae), Labcorp).